The following is an entry in ClinVar:

NM_022356.4(P3H1):c.327C>T (p.Phe109=)

Gene: P3H1 (prolyl 3-hydroxylase 1; minus strand). Cytogenetic location: 1p34.2.
Variant type: single nucleotide variant.
Coding change: c.327C>T on transcript NM_022356.4 (MANE Select); coding-DNA position 327, C replaced by T.
Protein change: p.Phe109=; no amino-acid change (phenylalanine 109 retained).
Molecular consequence: synonymous variant.
Genome position (GRCh38, 1-based): chr1:42,766,645, G>A on the plus strand (C>T on the coding strand, the complement: P3H1 is on the minus strand). VCF-style: chr1-42766645-G-A. GRCh37 (hg19) VCF-style: chr1-43232316-G-A.
Other names: c.327C>T, p.Phe109= (NM_001146289.2, NM_001243246.2).
Identifiers: ClinVar variation 497260 (VCV000497260.18), dbSNP rs370773974, ClinGen allele CA802204.

ClinVar aggregate classification (germline): Conflicting classifications of pathogenicity. Review status: criteria provided, conflicting classifications (1 of 4 stars). 4 submissions from 3 submitters: Uncertain significance (1); Benign (1); Likely benign (2). Last evaluated 2026-02-01.

Conditions:
Osteogenesis Imperfecta, Recessive.
Osteogenesis imperfecta type 8 (OI8). Identifiers: MedGen C1970458, MONDO:0012581, OMIM 610915.

Allele frequency attached by ClinVar (database versions not stated): gnomAD 0.00009 and 0.00019; gnomAD exomes 0.00021 and 0.00060; TOPMed 0.00031; 1000 Genomes Project 30x 0.00062; ExAC 0.00078; 1000 Genomes Project 0.00080.
gnomAD v4.1: 330 of 1,580,212 alleles (0.021%); highest among the groups gnomAD compares: East Asian, 0.45%; no homozygotes.

Submissions (4):

Labcorp Genetics (formerly Invitae), Labcorp
Classification: Benign for Osteogenesis imperfecta type 8. Last evaluated: 2026-02-01. Review status: criteria provided, single submitter. Criteria: Invitae Variant Classification Sherloc (09022015). Collection method: clinical testing. Allele origin: germline.

Illumina Laboratory Services, Illumina
Classification: Likely benign for Osteogenesis imperfecta type 8. Last evaluated: 2018-01-13. Review status: criteria provided, single submitter. Criteria: ICSL Variant Classification Criteria 13 December 2019. Collection method: clinical testing. Allele origin: germline.
Comment: This variant was observed in the ICSL laboratory as part of a predisposition screen in an ostensibly healthy population. It had not been previously curated by ICSL or reported in the Human Gene Mutation Database (HGMD: prior to June 1st, 2018), and was therefore a candidate for classification through an automated scoring system. Utilizing variant allele frequency, disease prevalence and penetrance estimates, and inheritance mode, an automated score was calculated to assess if this variant is too frequent to cause the disease. Based on the score and internal cut-off values, a variant classified as likely benign is not then subjected to further curation. The score for this variant resulted in a classification of likely benign for this disease.

Illumina Laboratory Services, Illumina
Classification: Uncertain significance for Osteogenesis Imperfecta, Recessive. Last evaluated: 2017-04-27. Review status: criteria provided, single submitter. Criteria: ICSL Variant Classification Criteria 13 December 2019. Collection method: clinical testing. Allele origin: germline.

Eurofins Ntd Llc (ga)
Classification: Likely benign. Last evaluated: 2016-10-03. Review status: criteria provided, single submitter. Criteria: EGL Classification Definitions 2015. Collection method: clinical testing. Allele origin: germline. Observed: 1 variant allele, 1 heterozygote.